The following is an entry in ClinVar:

ClinVar aggregate classification (germline): Conflicting classifications of pathogenicity. Review status: criteria provided, conflicting classifications (1 of 4 stars). 2 submissions from 2 submitters: Uncertain significance (1); Likely benign (1). Last evaluated 2026-01-11.

Conditions:
Hypertrophic cardiomyopathy 14. Identifiers: MedGen C2750467, MONDO:0013197, OMIM 613251.

Allele frequency attached by ClinVar (database versions not stated): gnomAD exomes 0.00001; TOPMed 0.00001; gnomAD 0.00002.
gnomAD v4.1: 15 of 1,613,864 alleles (0.00093%); highest among the groups gnomAD compares: Admixed American, 0.022%; no homozygotes.

Submissions (2):

Labcorp Genetics (formerly Invitae), Labcorp
Classification: Uncertain significance for Hypertrophic cardiomyopathy 14. Last evaluated: 2026-01-11. Review status: criteria provided, single submitter. Criteria: Invitae Variant Classification Sherloc (09022015). Collection method: clinical testing. Allele origin: germline.
Comment: This sequence change falls in intron 31 of the MYH6 gene. It does not directly change the encoded amino acid sequence of the MYH6 protein. It affects a nucleotide within the consensus splice site. This variant is not present in population databases (gnomAD no frequency). This variant has not been reported in the literature in individuals affected with MYH6-related conditions. ClinVar contains an entry for this variant (Variation ID: 390841). Variants that disrupt the consensus splice site are a relatively common cause of aberrant splicing (PMID: 17576681, 9536098). Algorithms developed to predict the effect of sequence changes on RNA splicing suggest that this variant is not likely to affect RNA splicing. In summary, the available evidence is currently insufficient to determine the role of this variant in disease. Therefore, it has been classified as a Variant of Uncertain Significance.

GeneDx
Classification: Likely benign. Last evaluated: 2018-02-23. Review status: criteria provided, single submitter. Criteria: GeneDx Variant Classification (06012015). Collection method: clinical testing. Allele origin: germline. Affected: yes.
Comment: This variant is considered likely benign or benign based on one or more of the following criteria: it is a conservative change, it occurs at a poorly conserved position in the protein, it is predicted to be benign by multiple in silico algorithms, and/or has population frequency not consistent with disease.

Literature cited by the submitters: PubMed 17576681 (cited by Labcorp Genetics (formerly Invitae), Labcorp); PubMed 9536098 (cited by Labcorp Genetics (formerly Invitae), Labcorp).

NM_002471.4(MYH6):c.4525+6C>T

Gene: MYH6 (myosin heavy chain 6; minus strand). Cytogenetic location: 14q11.2.
Variant type: single nucleotide variant.
Coding change: c.4525+6C>T on transcript NM_002471.4 (MANE Select); 6 bases into the intron after coding-DNA position 4525, C replaced by T.
Molecular consequence: intron variant.
Genome position (GRCh38, 1-based): chr14:23,387,752, G>A on the plus strand (C>T on the coding strand, the complement: MYH6 is on the minus strand). VCF-style: chr14-23387752-G-A. GRCh37 (hg19) VCF-style: chr14-23856961-G-A.
Identifiers: ClinVar variation 390841 (VCV000390841.10), dbSNP rs1057523902, ClinGen allele CA16606797.